The following is an entry in ClinVar:

ClinVar aggregate classification (germline): Uncertain significance. Review status: criteria provided, multiple submitters, no conflicts (2 of 4 stars). 2 submissions from 2 submitters: Uncertain significance (2). Last evaluated 2025-11-04.

Conditions:
Inborn genetic diseases. Identifiers: MedGen C0950123, MeSH D030342.

gnomAD v4.1: 71 of 1,613,806 alleles (0.0044%); highest among the groups gnomAD compares: Non-Finnish European, 0.0057%; no homozygotes.

Submissions (2):

Labcorp Genetics (formerly Invitae), Labcorp
Classification: Uncertain significance. Last evaluated: 2025-11-04. Review status: criteria provided, single submitter. Criteria: Invitae Variant Classification Sherloc (09022015). Collection method: clinical testing. Allele origin: germline.
Comment: This sequence change replaces glycine, which is neutral and non-polar, with aspartic acid, which is acidic and polar, at codon 323 of the DDX58 protein (p.Gly323Asp). This variant is present in population databases (rs746997669, gnomAD 0.004%). This variant has not been reported in the literature in individuals affected with DDX58-related conditions. ClinVar contains an entry for this variant (Variation ID: 3314318). Invitae Evidence Modeling of protein sequence and biophysical properties (such as structural, functional, and spatial information, amino acid conservation, physicochemical variation, residue mobility, and thermodynamic stability) has been performed for this missense variant. However, the output from this modeling did not meet the statistical confidence thresholds required to predict the impact of this variant on DDX58 protein function. In summary, the available evidence is currently insufficient to determine the role of this variant in disease. Therefore, it has been classified as a Variant of Uncertain Significance.

Ambry Genetics
Classification: Uncertain significance for Inborn genetic diseases. Last evaluated: 2024-03-29. Review status: criteria provided, single submitter. Criteria: Ambry Variant Classification Scheme 2023. Collection method: clinical testing. Allele origin: germline.

NM_014314.4(RIGI):c.968G>A (p.Gly323Asp)

Gene: RIGI (RNA sensor RIG-I; minus strand). Cytogenetic location: 9p21.1.
Variant type: single nucleotide variant.
Coding change: c.968G>A on transcript NM_014314.4 (MANE Select); coding-DNA position 968, G replaced by A.
Protein change: p.Gly323Asp; replaces glycine 323 with aspartic acid.
Molecular consequence: missense variant.
Genome position (GRCh38, 1-based): chr9:32,488,189, C>T on the plus strand (G>A on the coding strand, the complement: RIGI is on the minus strand). VCF-style: chr9-32488189-C-T. GRCh37 (hg19) VCF-style: chr9-32488187-C-T.
Other names: c.962G>A, p.Gly321Asp (NM_001385907.1); c.968G>A, p.Gly323Asp (NM_001385909.1); c.527G>A, p.Gly176Asp (NM_001385910.1); c.359G>A, p.Gly120Asp (NM_001385912.1); c.953G>A, p.Gly318Asp (NM_001385913.1); c.524G>A, p.Gly175Asp (NM_001385914.1); short protein forms G120D, G318D, G176D, G321D, G323D, G175D.
Identifiers: ClinVar variation 3314318 (VCV003314318.3).